The following is an entry in ClinVar:

NM_017654.4(SAMD9):c.4330C>A (p.Gln1444Lys)

Gene: SAMD9 (sterile alpha motif domain containing 9; minus strand). Cytogenetic location: 7q21.2.
Variant type: single nucleotide variant.
Coding change: c.4330C>A on transcript NM_017654.4 (MANE Select); coding-DNA position 4330, C replaced by A.
Protein change: p.Gln1444Lys; replaces glutamine 1444 with lysine.
Molecular consequence: missense variant.
Genome position (GRCh38, 1-based): chr7:93,101,768, G>T on the plus strand (C>A on the coding strand, the complement: SAMD9 is on the minus strand). VCF-style: chr7-93101768-G-T. GRCh37 (hg19) VCF-style: chr7-92731081-G-T.
Other names: c.4330C>A, p.Gln1444Lys (NM_001193307.2); c.4330C>A (NM_017654.3); short protein forms Q1444K.
Identifiers: ClinVar variation 3616108 (VCV003616108.3).
Genomic context (GRCh38, chr7:93,101,768, plus strand): 5'-AAGAATTTTTTAGTGCTTGAGCATACTCTTTCATTTGTTCAGAATGTTGATCTAGTTGTT[G>T]ATTTTCTGGCCAGAATAAGAGGGAAGCTAGAAAATACGGTTCTGAAAACTGATAAGTCAG-3'
Protein context (NP_060124.2, residues 1434-1454): LASLLFWPEN[Gln1444Lys]QLDQHSEQMK

ClinVar aggregate classification (germline): Uncertain significance. Review status: criteria provided, multiple submitters, no conflicts (2 of 4 stars). 2 submissions from 2 submitters: Uncertain significance (2). Last evaluated 2025-01-30.

Conditions:
Inborn genetic diseases. Identifiers: MedGen C0950123, MeSH D030342.

gnomAD v4.1: 5 of 1,613,710 alleles (0.00031%); highest among the groups gnomAD compares: Middle Eastern, 0.017%; no homozygotes.

Submissions (2):

Ambry Genetics
Classification: Uncertain significance for Inborn genetic diseases. Last evaluated: 2025-01-30. Review status: criteria provided, single submitter. Criteria: Ambry Variant Classification Scheme 2023. Collection method: clinical testing. Allele origin: germline.
Comment: The p.Q1444K variant (also known as c.4330C>A), located in coding exon 1 of the SAMD9 gene, results from a C to A substitution at nucleotide position 4330. The glutamine at codon 1444 is replaced by lysine, an amino acid with similar properties. This amino acid position is conserved. In addition, this alteration is predicted to be tolerated by in silico analysis. Based on the available evidence, the clinical significance of this variant remains unclear.

Labcorp Genetics (formerly Invitae), Labcorp
Classification: Uncertain significance. Last evaluated: 2024-04-25. Review status: criteria provided, single submitter. Criteria: Invitae Variant Classification Sherloc (09022015). Collection method: clinical testing. Allele origin: germline.
Comment: This sequence change replaces glutamine, which is neutral and polar, with lysine, which is basic and polar, at codon 1444 of the SAMD9 protein (p.Gln1444Lys). This variant is present in population databases (no rsID available, gnomAD 0.004%). This variant has not been reported in the literature in individuals affected with SAMD9-related conditions. Advanced modeling of protein sequence and biophysical properties (such as structural, functional, and spatial information, amino acid conservation, physicochemical variation, residue mobility, and thermodynamic stability) performed at Invitae indicates that this missense variant is not expected to disrupt SAMD9 protein function with a negative predictive value of 95%. In summary, the available evidence is currently insufficient to determine the role of this variant in disease. Therefore, it has been classified as a Variant of Uncertain Significance.